The following is an entry in ClinVar:

NM_152866.3(MS4A1):c.535T>C (p.Ser179Pro)

Gene: MS4A1 (membrane spanning 4-domains A1; plus strand). Cytogenetic location: 11q12.2.
Variant type: single nucleotide variant.
Coding change: c.535T>C on transcript NM_152866.3 (MANE Select); coding-DNA position 535, T replaced by C.
Protein change: p.Ser179Pro; replaces serine 179 with proline.
Molecular consequence: missense variant.
Genome position (GRCh38, 1-based): chr11:60,466,119, T>C. VCF-style: chr11-60466119-T-C. GRCh37 (hg19) VCF-style: chr11-60233592-T-C.
Other names: c.535T>C, p.Ser179Pro (NM_021950.4, NM_152867.2); short protein forms S179P.
Identifiers: ClinVar variation 3649611 (VCV003649611.2).
Genomic context (GRCh38, chr11:60,466,119, plus strand): 5'-ACACCATATATTAACATATACAACTGTGAACCAGCTAATCCCTCTGAGAAAAACTCCCCA[T>C]CTACCCAATACTGTTACAGCATACAATCTCTGTTCTTGGTAAGTGTTCTTGGTAAGTGTG-3'
Protein context (NP_690605.1, residues 169-189): PANPSEKNSP[Ser179Pro]TQYCYSIQSL

ClinVar aggregate classification (germline): Uncertain significance (1 of 4 stars; one submission).

gnomAD v4.1: 2 of 1,613,208 alleles (0.00012%); highest among the groups gnomAD compares: Non-Finnish European, 0.000085%; no homozygotes.

Submission:

Labcorp Genetics (formerly Invitae), Labcorp
Classification: Uncertain significance. Last evaluated: 2024-04-11. Review status: criteria provided, single submitter. Criteria: Invitae Variant Classification Sherloc (09022015). Collection method: clinical testing. Allele origin: germline.
Comment: This sequence change replaces serine, which is neutral and polar, with proline, which is neutral and non-polar, at codon 179 of the MS4A1 protein (p.Ser179Pro). This variant is present in population databases (rs193204741, gnomAD 0.004%). This variant has not been reported in the literature in individuals affected with MS4A1-related conditions. An algorithm developed to predict the effect of missense changes on protein structure and function (PolyPhen-2) suggests that this variant is likely to be disruptive. In summary, the available evidence is currently insufficient to determine the role of this variant in disease. Therefore, it has been classified as a Variant of Uncertain Significance.